The following is an entry in ClinVar:

NM_005035.4(POLRMT):c.2875G>A (p.Val959Met)

Gene: POLRMT (RNA polymerase mitochondrial; minus strand). Cytogenetic location: 19p13.3.
Variant type: single nucleotide variant.
Coding change: c.2875G>A on transcript NM_005035.4 (MANE Select); coding-DNA position 2875, G replaced by A.
Protein change: p.Val959Met; replaces valine 959 with methionine.
Molecular consequence: missense variant. On other transcripts: non-coding transcript variant (1).
Genome position (GRCh38, 1-based): chr19:619,969, C>T on the plus strand (G>A on the coding strand, the complement: POLRMT is on the minus strand). VCF-style: chr19-619969-C-T. GRCh37 (hg19) VCF-style: chr19-619969-C-T.
Other names: c.2875G>A, p.Val959Met (NM_001407805.1, NM_001407808.1, NM_001407812.1 and 3 more transcripts); c.2866G>A, p.Val956Met (NM_001407806.1, NM_001407809.1); c.2863G>A, p.Val955Met (NM_001407807.1, NM_001407810.1); c.2833G>A, p.Val945Met (NM_001407811.1, NM_001407813.1); c.2752G>A, p.Val918Met (NM_001407829.1); c.2650G>A, p.Val884Met (NM_001407830.1, NM_001407832.1); c.2551G>A, p.Val851Met (NM_001407831.1, NM_001407833.1, NM_001407835.1 and 1 more transcripts); c.2542G>A, p.Val848Met (NM_001407834.1); short protein forms V848M, V851M, V884M, V918M, V945M, V955M, V956M, V959M.
Identifiers: ClinVar variation 4687691 (VCV004687691.1).
Genomic context (GRCh38, chr19:619,969, plus strand): 5'-CACATTGCCCCCACGCCGAGATGCCCCCGGGCAGCAGGGCACACCCTACCTGCGCGGCCA[C>T]GCCGCTGTACACGTCCTGCGGCACATCCGAGGGCTCCAGGTTGACGGAGGCGGCGCCCAC-3'
Protein context (NP_005026.3, residues 949-969): SDVPQDVYSG[Val959Met]AAQVEVFRRQ

ClinVar aggregate classification (germline): Uncertain significance (1 of 4 stars; one submission).

gnomAD v4.1: 1 of 1,600,886 alleles (0.000062%); highest among the groups gnomAD compares: Non-Finnish European, 0.000085%; no homozygotes.

Submission:

Women's Health and Genetics/Laboratory Corporation of America, LabCorp
Classification: Uncertain significance. Last evaluated: 2025-10-28. Review status: criteria provided, single submitter. Criteria: LabCorp Variant Classification Summary - May 2015. Collection method: clinical testing. Allele origin: germline.
Comment: Variant summary: POLRMT c.2875G>A (p.Val959Met) results in a conservative amino acid change in the encoded protein sequence. Algorithms developed to predict the effect of missense changes on protein structure and function are either unavailable or do not agree on the potential impact of this missense change. The variant allele was found at a frequency of 4.4e-06 in 226496 control chromosomes. The available data on variant occurrences in the general population are insufficient to allow any conclusion about variant significance. To our knowledge, no occurrence of c.2875G>A in individuals affected with POLRMT-related conditions and no experimental evidence demonstrating its impact on protein function have been reported. No submitters have cited clinical-significance assessments for this variant to ClinVar. Based on the evidence outlined above, the variant was classified as uncertain significance.